The following is an entry in ClinVar:

NM_000448.3(RAG1):c.2428A>G (p.Ile810Val)

Gene: RAG1 (recombination activating 1; plus strand). Cytogenetic location: 11p12.
Variant type: single nucleotide variant.
Coding change: c.2428A>G on transcript NM_000448.3 (MANE Select); coding-DNA position 2428, A replaced by G.
Protein change: p.Ile810Val; replaces isoleucine 810 with valine.
Molecular consequence: missense variant.
Genome position (GRCh38, 1-based): chr11:36,575,732, A>G. VCF-style: chr11-36575732-A-G. GRCh37 (hg19) VCF-style: chr11-36597282-A-G.
Other names: c.2428A>G, p.Ile810Val (NM_001377277.1, NM_001377278.1, NM_001377279.1 and 1 more transcripts); short protein forms I810V.
Identifiers: ClinVar variation 877626 (VCV000877626.5), dbSNP rs61752933, ClinGen allele CA5950258.

ClinVar aggregate classification (germline): Uncertain significance. Review status: criteria provided, multiple submitters, no conflicts (2 of 4 stars). 3 submissions from 2 submitters: Uncertain significance (3). Last evaluated 2022-07-23.

Conditions:
Histiocytic medullary reticulosis. Also called: Omenn syndrome; SEVERE COMBINED IMMUNODEFICIENCY WITH HYPEREOSINOPHILIA. Identifiers: Orphanet 39041, MedGen C2700553, MONDO:0011338, OMIM 603554.
Combined immunodeficiency with skin granulomas. Identifiers: Orphanet 157949, MedGen C2673536, MONDO:0009306, OMIM 233650.
Severe combined immunodeficiency, autosomal recessive, T cell-negative, B cell-negative, NK cell-positive. Also called: Severe combined immunodeficiency due to complete RAG1/2 deficiency; SCID, AR, T-cell negative, B-cell negative, NK cell-positive; SCID, T CELL-NEGATIVE, B CELL-NEGATIVE, NK CELL-POSITIVE. Identifiers: Orphanet 331206, MedGen C1832322, MONDO:0011086, OMIM 601457.

Allele frequency attached by ClinVar (database versions not stated): TOPMed below 0.00001; gnomAD 0.00001; ExAC 0.00002; gnomAD exomes 0.00008.

Submissions (3):

Labcorp Genetics (formerly Invitae), Labcorp
Classification: Uncertain significance for Combined immunodeficiency with skin granulomas; Severe combined immunodeficiency, autosomal recessive, T cell-negative, B cell-negative, NK cell-positive. Last evaluated: 2022-07-23. Review status: criteria provided, single submitter. Criteria: Invitae Variant Classification Sherloc (09022015). Collection method: clinical testing. Allele origin: germline.
Comment: This sequence change replaces isoleucine, which is neutral and non-polar, with valine, which is neutral and non-polar, at codon 810 of the RAG1 protein (p.Ile810Val). This variant is present in population databases (rs61752933, gnomAD 0.1%). This variant has not been reported in the literature in individuals affected with RAG1-related conditions. ClinVar contains an entry for this variant (Variation ID: 877626). Algorithms developed to predict the effect of missense changes on protein structure and function are either unavailable or do not agree on the potential impact of this missense change (SIFT: "Deleterious"; PolyPhen-2: "Possibly Damaging"; Align-GVGD: "Class C0"). In summary, the available evidence is currently insufficient to determine the role of this variant in disease. Therefore, it has been classified as a Variant of Uncertain Significance.

Illumina Laboratory Services, Illumina
Classification: Uncertain significance for Histiocytic medullary reticulosis. Last evaluated: 2018-01-12. Review status: criteria provided, single submitter. Criteria: ICSL Variant Classification Criteria 13 December 2019. Collection method: clinical testing. Allele origin: germline.

Illumina Laboratory Services, Illumina
Classification: Uncertain significance for Severe combined immunodeficiency, autosomal recessive, T cell-negative, B cell-negative, NK cell-positive. Last evaluated: 2018-01-12. Review status: criteria provided, single submitter. Criteria: ICSL Variant Classification Criteria 13 December 2019. Collection method: clinical testing. Allele origin: germline.